The following is an entry in ClinVar:

ClinVar aggregate classification (germline): Likely benign (1 of 4 stars; one submission).

gnomAD v4.1: 4 of 111,983 alleles (0.0036%); highest among the groups gnomAD compares: Admixed American, 0.038%; no homozygotes.

Submission:

CeGaT Center for Human Genetics Tuebingen
Classification: Likely benign. Last evaluated: 2025-09-01. Review status: criteria provided, single submitter. Criteria: CeGaT Center For Human Genetics Tuebingen Variant Classification Criteria Version 2. Collection method: clinical testing. Allele origin: germline. Affected: yes. Observed: 1 variant allele.
Comment: ZRSR2: BS2

NM_005089.4(ZRSR2):c.122-3621G>A

Gene: ZRSR2 (zinc finger CCCH-type, RNA binding motif and serine/arginine rich 2; plus strand). Cytogenetic location: Xp22.2.
Variant type: single nucleotide variant.
Coding change: c.122-3621G>A on transcript NM_005089.4 (MANE Select); 3621 bases into the intron before coding-DNA position 122, G replaced by A.
Molecular consequence: intron variant.
Genome position (GRCh38, 1-based): chrX:15,796,251, G>A. VCF-style: chrX-15796251-G-A. GRCh37 (hg19) VCF-style: chrX-15814374-G-A.
Identifiers: ClinVar variation 4281378 (VCV004281378.7).
Genomic context (GRCh38, chrX:15,796,251, plus strand): 5'-GCCATCATGACTTTTCTCTGCTTCTTGAGAGCACTTCCAGCATCGCTAGTCGCACTTTGT[G>A]TGAGTCTCATGATGTTATTCAAGGTTTACCATTTTGTAGTAAACACAGTGAAAAATACGC-3'